The following is an entry in ClinVar:

ClinVar aggregate classification (germline): Uncertain significance (1 of 4 stars; one submission).

Conditions:
Asphyxiating thoracic dystrophy 3. Also called: SHORT-RIB THORACIC DYSPLASIA 3 WITH OR WITHOUT POLYDACTYLY; POLYDACTYLY WITH NEONATAL CHONDRODYSTROPHY, TYPE I; SHORT-RIB THORACIC DYSPLASIA 3/6 WITH POLYDACTYLY, DIGENIC; Short rib polydactyly syndrome 2B; Saldino-Noonan Syndrome. Identifiers: Orphanet 474, Orphanet 93269, Orphanet 93270, Orphanet 93271, MedGen C0036069, MONDO:0013127, OMIM 613091.

gnomAD v4.1: 3 of 1,560,930 alleles (0.00019%); highest among the groups gnomAD compares: Non-Finnish European, 0.00026%; no homozygotes.

Submission:

ARUP Laboratories, Molecular Genetics and Genomics, ARUP Laboratories
Classification: Uncertain significance for Asphyxiating thoracic dystrophy 3. Last evaluated: 2025-05-23. Review status: criteria provided, single submitter. Criteria: ARUP Molecular Germline Variant Investigation Process 2024. Collection method: clinical testing. Allele origin: germline.
Comment: The DYNC2H1 c.8088+3G>A variant (rs992727778), to our knowledge, is not reported in the medical literature or gene specific databases. This variant is only observed on one allele in the Genome Aggregation Database (v2.1.1), indicating it is not a common polymorphism. This is an intronic variant and computational analyses (Alamut Visual Plus v.1.12) predict that this variant does not alter splicing. However, since this variant is located within the minimal splice region, the clinical significance of this variant is uncertain at this time.

NM_001377.3(DYNC2H1):c.8088+3G>A

Gene: DYNC2H1 (dynein cytoplasmic 2 heavy chain 1; plus strand). Cytogenetic location: 11q22.3.
Variant type: single nucleotide variant.
Coding change: c.8088+3G>A on transcript NM_001377.3 (MANE Select); 3 bases into the intron after coding-DNA position 8088, G replaced by A.
Molecular consequence: intron variant.
Genome position (GRCh38, 1-based): chr11:103,199,479, G>A. VCF-style: chr11-103199479-G-A. GRCh37 (hg19) VCF-style: chr11-103070208-G-A.
Other names: c.8088+3G>A (NM_001080463.2).
Identifiers: ClinVar variation 4685845 (VCV004685845.1).